The following is an entry in ClinVar:

NM_012330.4(KAT6B):c.2590C>T (p.His864Tyr)

Gene: KAT6B (lysine acetyltransferase 6B; plus strand). Cytogenetic location: 10q22.2.
Variant type: single nucleotide variant.
Coding change: c.2590C>T on transcript NM_012330.4 (MANE Select); coding-DNA position 2590, C replaced by T.
Protein change: p.His864Tyr; replaces histidine 864 with tyrosine.
Molecular consequence: missense variant.
Genome position (GRCh38, 1-based): chr10:74,989,073, C>T. VCF-style: chr10-74989073-C-T. GRCh37 (hg19) VCF-style: chr10-76748831-C-T.
Other names: c.2041C>T, p.His681Tyr (NM_001256468.2, NM_001370138.1); c.1714C>T, p.His572Tyr (NM_001256469.2, NM_001370139.1, NM_001370140.1 and 2 more transcripts); c.1552C>T, p.His518Tyr (NM_001370132.1); c.901C>T, p.His301Tyr (NM_001370133.1); c.505C>T, p.His169Tyr (NM_001370134.1); c.247C>T, p.His83Tyr (NM_001370135.1); c.2590C>T, p.His864Tyr (NM_001370136.1, NM_001370137.1); c.1525C>T, p.His509Tyr (NM_001370143.1, NM_001370144.1); short protein forms H864Y, H301Y, H509Y, H518Y, H83Y, H169Y, H681Y, H572Y.
Identifiers: ClinVar variation 3597615 (VCV003597615.2).
Genomic context (GRCh38, chr10:74,989,073, plus strand): 5'-CCTCAGGAAAAGCTTTGCCAGCAGAAGTATAATGTCTCCTGCATAATGATCATGCCCCAG[C>T]ACCAAAGGCAAGGATTTGGACGGTTTCTCATTGATTTCAGTAAGTGAAGTACTTTATTTA-3'
Protein context (NP_036462.2, residues 854-874): NVSCIMIMPQ[His864Tyr]QRQGFGRFLI

ClinVar aggregate classification (germline): Uncertain significance. Review status: criteria provided, multiple submitters, no conflicts (2 of 4 stars). 2 submissions from 2 submitters: Uncertain significance (2). Last evaluated 2025-02-20.

Conditions:
Genitopatellar syndrome (GTPTS). Also called: ABSENT PATELLAE, SCROTAL HYPOPLASIA, RENAL ANOMALIES, FACIAL DYSMORPHISM, AND MENTAL RETARDATION; Genitopatellar syndrome (GPS). Identifiers: Orphanet 85201, MedGen C1853566, MONDO:0011640, OMIM 606170.
Blepharophimosis - intellectual disability syndrome, SBBYS type (SBBYSS). Also called: Ohdo syndrome, SBBYS variant; SBBYSS syndrome; Say-Barber-Biesecker-Young-Simpson syndrome; Say-Barber-Biesecker-Young-Simpson variant of Ohdo Syndrome; Say-Barber-Biesecker Variant of Ohdo Syndrome; Say-Barber-Biesecker variant of Ohdo syndrome (SBBYSS). Identifiers: Orphanet 3047, MedGen C1863557, MONDO:0011365, OMIM 603736.

Submissions (2):

Labcorp Genetics (formerly Invitae), Labcorp
Classification: Uncertain significance for Genitopatellar syndrome. Last evaluated: 2025-02-20. Review status: criteria provided, single submitter. Criteria: Invitae Variant Classification Sherloc (09022015). Collection method: clinical testing. Allele origin: germline.
Comment: This sequence change replaces histidine, which is basic and polar, with tyrosine, which is neutral and polar, at codon 864 of the KAT6B protein (p.His864Tyr). This variant is not present in population databases (gnomAD no frequency). This variant has not been reported in the literature in individuals affected with KAT6B-related conditions. ClinVar contains an entry for this variant (Variation ID: 3597615). Invitae Evidence Modeling of protein sequence and biophysical properties (such as structural, functional, and spatial information, amino acid conservation, physicochemical variation, residue mobility, and thermodynamic stability) indicates that this missense variant is not expected to disrupt KAT6B protein function with a negative predictive value of 80%. In summary, the available evidence is currently insufficient to determine the role of this variant in disease. Therefore, it has been classified as a Variant of Uncertain Significance.

Fulgent Genetics
Classification: Uncertain significance for Blepharophimosis - intellectual disability syndrome, SBBYS type; Genitopatellar syndrome. Last evaluated: 2024-02-07. Review status: criteria provided, single submitter. Criteria: ACMG Guidelines, 2015. Collection method: clinical testing. Allele origin: germline.